The following is an entry in ClinVar:

ClinVar aggregate classification (germline): Likely pathogenic (1 of 4 stars; one submission).

Conditions:
Microcephaly 8, primary, autosomal recessive. Identifiers: Orphanet 2512, MedGen C3553414, MONDO:0013849, OMIM 614673.

gnomAD v4.1: 5 of 1,610,100 alleles (0.00031%); highest among the groups gnomAD compares: African/African-American, 0.0027%; no homozygotes.

Submission:

Juno Genomics, Hangzhou Juno Genomics, Inc
Classification: Likely pathogenic for Microcephaly 8, primary, autosomal recessive. Review status: criteria provided, single submitter. Criteria: ACMG Guidelines, 2015. Collection method: clinical testing. Allele origin: germline.
Comment: Null variant in a gene where loss of function (LOF) is a known mechanism of disease.;Absent from controls (or at extremely low frequency if recessive) in Genome Aggregation Database.

NM_025009.5(CEP135):c.715C>T (p.Arg239Ter)

Gene: CEP135 (centrosomal protein 135; plus strand). Cytogenetic location: 4q12.
Variant type: single nucleotide variant.
Coding change: c.715C>T on transcript NM_025009.5 (MANE Select); coding-DNA position 715, C replaced by T.
Protein change: p.Arg239Ter; replaces arginine 239 with a stop codon.
Molecular consequence: nonsense.
Genome position (GRCh38, 1-based): chr4:55,964,289, C>T. VCF-style: chr4-55964289-C-T. GRCh37 (hg19) VCF-style: chr4-56830455-C-T.
Other names: short protein forms R239*.
Identifiers: ClinVar variation 5006777 (VCV005006777.2).